The following is an entry in ClinVar:

ClinVar aggregate classification (germline): Conflicting classifications of pathogenicity. Review status: criteria provided, conflicting classifications (1 of 4 stars). 2 submissions from 2 submitters: Uncertain significance (1); Likely benign (1). Last evaluated 2026-04-13.

Conditions:
PKD1-related disorder. Also called: PKD1-related condition.

gnomAD v4.1: 7 of 1,607,626 alleles (0.00044%); highest among the groups gnomAD compares: East Asian, 0.016%; no homozygotes.

Submissions (2):

Women's Health and Genetics/Laboratory Corporation of America, LabCorp
Classification: Uncertain significance. Last evaluated: 2026-04-13. Review status: criteria provided, single submitter. Criteria: LabCorp Variant Classification Summary - May 2015. Collection method: clinical testing. Allele origin: germline.
Comment: Variant summary: PKD1 c.10167+6G>A alters a non-conserved nucleotide located close to a canonical splice site and therefore could affect mRNA splicing, leading to a significantly altered protein sequence. Consensus agreement among computation tools predict no significant impact on normal splicing. However, these predictions have yet to be confirmed by functional studies. The variant allele was found at a frequency of 2.4e-05 in 249466 control chromosomes. The available data on variant occurrences in the general population are insufficient to allow any conclusion about variant significance. To our knowledge, no occurrence of c.10167+6G>A in individuals affected with PKD1-related conditions and no experimental evidence demonstrating its impact on protein function have been reported. No submitters have cited clinical-significance assessments for this variant to ClinVar. Based on the evidence outlined above, the variant was classified as uncertain significance.

PreventionGenetics, part of Exact Sciences
Classification: Likely benign for PKD1-related condition. Last evaluated: 2025-07-28. Review status: criteria provided, single submitter. Criteria: ACMG Guidelines, 2015. Collection method: clinical testing. Allele origin: germline.
Comment: This variant is classified as likely benign based on ACMG/AMP sequence variant interpretation guidelines (Richards et al. 2015 PMID: 25741868, with internal and published modifications).

NM_001009944.3(PKD1):c.10167+6G>A

Gene: PKD1 (polycystin 1, transient receptor potential channel interacting; minus strand). Cytogenetic location: 16p13.3.
Variant type: single nucleotide variant.
Coding change: c.10167+6G>A on transcript NM_001009944.3 (MANE Select); 6 bases into the intron after coding-DNA position 10167, G replaced by A.
Molecular consequence: intron variant.
Genome position (GRCh38, 1-based): chr16:2,097,862, C>T on the plus strand (G>A on the coding strand, the complement: PKD1 is on the minus strand). VCF-style: chr16-2097862-C-T. GRCh37 (hg19) VCF-style: chr16-2147863-C-T.
Other names: c.10167+6G>A (NM_001009944.2, NM_000296.4).
Identifiers: ClinVar variation 4848659 (VCV004848659.2).